The following is an entry in ClinVar:

ClinVar aggregate classification (germline): Likely pathogenic (1 of 4 stars; one submission).

Submission:

Labcorp Genetics (formerly Invitae), Labcorp
Classification: Likely pathogenic. Last evaluated: 2020-01-28. Review status: criteria provided, single submitter. Criteria: Invitae Variant Classification Sherloc (09022015). Collection method: clinical testing. Allele origin: germline.
Comment: This variant is not present in population databases (ExAC no frequency). This variant has not been reported in the literature in individuals with USH1C-related conditions. Algorithms developed to predict the effect of sequence changes on RNA splicing suggest that this variant may disrupt the consensus splice site, but this prediction has not been confirmed by published transcriptional studies. Donor and acceptor splice site variants typically lead to a loss of protein function (PMID: 16199547), and loss-of-function variants in USH1C are known to be pathogenic (PMID: 10973247, 17407589, 20301442, 21203349). In summary, the currently available evidence indicates that the variant is pathogenic, but additional data are needed to prove that conclusively. Therefore, this variant has been classified as Likely Pathogenic. This sequence change affects a donor splice site in intron 13 of the USH1C gene. It is expected to disrupt RNA splicing and likely results in an absent or disrupted protein product.

Literature cited by the submitters: PubMed 16199547; PubMed 10973247; PubMed 17407589; PubMed 20301442; PubMed 21203349.

NM_153676.4(USH1C):c.1085+1G>C

Gene: USH1C (USH1 protein network component harmonin; minus strand). Cytogenetic location: 11p15.1.
Variant type: single nucleotide variant.
Coding change: c.1085+1G>C on transcript NM_153676.4 (MANE Select); the canonical splice donor site of the intron after coding-DNA position 1085, G replaced by C.
Molecular consequence: splice donor variant.
Genome position (GRCh38, 1-based): chr11:17,521,345, C>G on the plus strand (G>C on the coding strand, the complement: USH1C is on the minus strand). VCF-style: chr11-17521345-C-G. GRCh37 (hg19) VCF-style: chr11-17542892-C-G.
Other names: c.1028+1G>C (NM_001297764.2); c.1085+1G>C (NM_005709.4).
Identifiers: ClinVar variation 1068343 (VCV001068343.8), dbSNP rs2133870164, ClinGen allele CA379784840.
Genomic context (GRCh38, chr11:17,521,345, plus strand): 5'-CCACACTCCCCTGAGCACACTGATGTTCATGCACAGACACGCGTGGAGCCGAGGTACTCA[C>G]TGTTCCATCTCCTTCCGGTATCTCTCATTTTCCTCTGCTGCCTTCTGGGCAATTTCTTTT-3'